The following is an entry in ClinVar:

ClinVar aggregate classification (germline): Pathogenic (1 of 4 stars; one submission).

Conditions:
Familial adenomatous polyposis 1 (FAP1). Also called: POLYPOSIS, ADENOMATOUS INTESTINAL; FAMILIAL ADENOMATOUS POLYPOSIS 1, ATTENUATED. Identifiers: MedGen C2713442, MONDO:0021056, OMIM 175100. Disease mechanism: loss of function.

Submission:

Myriad Genetics, Inc.
Classification: Pathogenic for Familial adenomatous polyposis 1. Last evaluated: 2023-05-16. Review status: criteria provided, single submitter. Criteria: Myriad Autosomal Dominant, Autosomal Recessive and X-Linked Classification Criteria (2023). Collection method: clinical testing. Allele origin: unknown.
Comment: This variant is considered pathogenic. This variant creates a frameshift predicted to result in premature protein truncation.

NM_000038.6(APC):c.7185_7187delinsATACTTCCACTTGGAA (p.Ser2396fs)

Gene: APC (APC regulator of Wnt signaling pathway; plus strand). Cytogenetic location: 5q22.2.
Variant type: Indel.
Coding change: c.7185_7187delinsATACTTCCACTTGGAA on transcript NM_000038.6 (MANE Select); coding-DNA positions 7185 to 7187, GTC replaced by ATACTTCCACTTGGAA.
Protein change: p.Ser2396fs; shifts the reading frame from serine 2396.
Molecular consequence: frameshift variant. On other transcripts: non-coding transcript variant (2).
Genome position (GRCh38, 1-based): chr5:112,842,779-112,842,781, GTC replaced by ATACTTCCACTTGGAA. VCF-style: chr5-112842779-GTC-ATACTTCCACTTGGAA. GRCh37 (hg19) VCF-style: chr5-112178476-GTC-ATACTTCCACTTGGAA.
Other names: c.7185_7187delinsATACTTCCACTTGGAA, p.Ser2396fs (NM_001127510.3, NM_001354895.2, NM_001407450.1); c.7131_7133delinsATACTTCCACTTGGAA, p.Ser2378fs (NM_001127511.3); c.7239_7241delinsATACTTCCACTTGGAA, p.Ser2414fs (NM_001354896.2, NM_001407447.1, NM_001407448.1 and 1 more transcripts); c.7215_7217delinsATACTTCCACTTGGAA, p.Ser2406fs (NM_001354897.2); c.7110_7112delinsATACTTCCACTTGGAA, p.Ser2371fs (NM_001354898.2); c.7101_7103delinsATACTTCCACTTGGAA, p.Ser2368fs (NM_001354899.2); c.7062_7064delinsATACTTCCACTTGGAA, p.Ser2355fs (NM_001354900.2); c.7008_7010delinsATACTTCCACTTGGAA, p.Ser2337fs (NM_001354901.2, NM_001407453.1); and 11 more; short protein forms S2012fs, S2113fs, S2236fs, S2267fs, S2270fs, S2295fs, S2305fs, S2313fs.
Identifiers: ClinVar variation 2583352 (VCV002583352.2), dbSNP rs2533775134, ClinGen allele CA2582341621.